The following is an entry in ClinVar:

NM_024675.4(PALB2):c.1030A>G (p.Asn344Asp)

Gene: PALB2 (partner and localizer of BRCA2; minus strand). Cytogenetic location: 16p12.2.
Variant type: single nucleotide variant.
Coding change: c.1030A>G on transcript NM_024675.4 (MANE Select); coding-DNA position 1030, A replaced by G.
Protein change: p.Asn344Asp; replaces asparagine 344 with aspartic acid.
Molecular consequence: missense variant.
Genome position (GRCh38, 1-based): chr16:23,635,516, T>C on the plus strand (A>G on the coding strand, the complement: PALB2 is on the minus strand). VCF-style: chr16-23635516-T-C. GRCh37 (hg19) VCF-style: chr16-23646837-T-C.
Other names: short protein forms N344D.
Identifiers: ClinVar variation 186306 (VCV000186306.18), dbSNP rs786202850, ClinGen allele CA194420.

ClinVar aggregate classification (germline): Conflicting classifications of pathogenicity. Review status: criteria provided, conflicting classifications (1 of 4 stars). 4 submissions from 4 submitters: Uncertain significance (3); Likely benign (1). Last evaluated 2025-09-18.

Conditions:
Hereditary cancer-predisposing syndrome. Also called: Neoplastic Syndromes, Hereditary; Tumor predisposition; Hereditary Cancer Syndrome; Hereditary neoplastic syndrome. Identifiers: Orphanet 140162, MedGen C0027672, MeSH D009386, MONDO:0015356.
Familial cancer of breast. Also called: BREAST CANCER, FAMILIAL; Hereditary breast cancer; hereditary breast carcinoma. Identifiers: Orphanet 227535, MedGen C0346153, MONDO:0016419, OMIM 114480. Disease mechanism: loss of function.

Allele frequency attached by ClinVar (database versions not stated): TOPMed 0.00001.
gnomAD v4.1: 4 of 1,613,854 alleles (0.00025%); highest among the groups gnomAD compares: Non-Finnish European, 0.00034%; no homozygotes.

Submissions (4):

Labcorp Genetics (formerly Invitae), Labcorp
Classification: Uncertain significance for Familial cancer of breast. Last evaluated: 2025-09-18. Review status: criteria provided, single submitter. Criteria: Invitae Variant Classification Sherloc (09022015). Collection method: clinical testing. Allele origin: germline.
Comment: This sequence change replaces asparagine, which is neutral and polar, with aspartic acid, which is acidic and polar, at codon 344 of the PALB2 protein (p.Asn344Asp). This variant is not present in population databases (gnomAD no frequency). This variant has not been reported in the literature in individuals affected with PALB2-related conditions. ClinVar contains an entry for this variant (Variation ID: 186306). Invitae Evidence Modeling of protein sequence and biophysical properties (such as structural, functional, and spatial information, amino acid conservation, physicochemical variation, residue mobility, and thermodynamic stability) indicates that this missense variant is not expected to disrupt PALB2 protein function with a negative predictive value of 80%. In summary, the available evidence is currently insufficient to determine the role of this variant in disease. Therefore, it has been classified as a Variant of Uncertain Significance.

Ambry Genetics
Classification: Likely benign for Hereditary cancer-predisposing syndrome. Last evaluated: 2024-02-14. Review status: criteria provided, single submitter. Criteria: Ambry Variant Classification Scheme 2023. Collection method: clinical testing. Allele origin: germline.

Color Diagnostics, LLC DBA Color Health
Classification: Uncertain significance for Hereditary cancer-predisposing syndrome. Last evaluated: 2021-12-20. Review status: criteria provided, single submitter. Criteria: ACMG Guidelines, 2015. Collection method: clinical testing. Allele origin: germline.
Comment: This missense variant replaces asparagine with aspartic acid at codon 344 of the PALB2 protein. Computational prediction suggests that this variant may not impact protein structure and function (internally defined REVEL score threshold <= 0.5, PMID: 27666373). To our knowledge, functional studies have not been reported for this variant. In a large breast cancer case-control study, this variant was identified in 1/53460 controls and was absent in any cases (PMID: 33471991 - Leiden Open Variation Database DB-ID PALB2_011097). This variant has not been identified in the general population by the Genome Aggregation Database (gnomAD). The available evidence is insufficient to determine the role of this variant in disease conclusively. Therefore, this variant is classified as a Variant of Uncertain Significance.

Breakthrough Genomics
Classification: Uncertain significance. Review status: criteria provided, single submitter. Criteria: ACMG Guidelines, 2015. Collection method: not provided. Allele origin: germline. Inheritance: Autosomal dominant inheritance. Affected: yes.

Literature cited by the submitters: PubMed 28779002 (cited by Ambry Genetics); PubMed 33471991 (cited by Ambry Genetics and Color Diagnostics, LLC DBA Color Health).